The following is an entry in ClinVar:

ClinVar aggregate classification (germline): Uncertain significance (1 of 4 stars; one submission).

Submission:

CeGaT Center for Human Genetics Tuebingen
Classification: Uncertain significance. Last evaluated: 2023-12-01. Review status: criteria provided, single submitter. Criteria: CeGaT Center For Human Genetics Tuebingen Variant Classification Criteria Version 2. Collection method: clinical testing. Allele origin: germline. Affected: yes. Observed: 2 variant alleles.
Comment: MTR: PM2, PM3, PP4

NM_000254.3(MTR):c.3283G>A (p.Asp1095Asn)

Gene: MTR (5-methyltetrahydrofolate-homocysteine methyltransferase; plus strand). Cytogenetic location: 1q43.
Variant type: single nucleotide variant.
Coding change: c.3283G>A on transcript NM_000254.3 (MANE Select); coding-DNA position 3283, G replaced by A.
Protein change: p.Asp1095Asn; replaces aspartic acid 1095 with asparagine.
Molecular consequence: missense variant.
Genome position (GRCh38, 1-based): chr1:236,894,435, G>A. VCF-style: chr1-236894435-G-A. GRCh37 (hg19) VCF-style: chr1-237057735-G-A.
Other names: c.3130G>A, p.Asp1044Asn (NM_001291939.1); c.2062G>A, p.Asp688Asn (NM_001291940.2); c.3094G>A, p.Asp1032Asn (NM_001410942.1); short protein forms D1032N, D1044N, D1095N, D688N.
Identifiers: ClinVar variation 2582875 (VCV002582875.25), dbSNP rs2528522835, ClinGen allele CA345388612.